The following is an entry in ClinVar:

ClinVar aggregate classification (germline): Uncertain significance (1 of 4 stars; one submission).

Allele frequency attached by ClinVar (database versions not stated): ExAC 0.00001; gnomAD 0.00001; TOPMed 0.00002.

Submission:

Labcorp Genetics (formerly Invitae), Labcorp
Classification: Uncertain significance. Last evaluated: 2023-04-06. Review status: criteria provided, single submitter. Criteria: Invitae Variant Classification Sherloc (09022015). Collection method: clinical testing. Allele origin: germline.
Comment: This sequence change replaces asparagine, which is neutral and polar, with histidine, which is basic and polar, at codon 779 of the KCNH1 protein (p.Asn779His). This variant is present in population databases (rs780374534, gnomAD 0.002%). This variant has not been reported in the literature in individuals affected with KCNH1-related conditions. Advanced modeling of protein sequence and biophysical properties (such as structural, functional, and spatial information, amino acid conservation, physicochemical variation, residue mobility, and thermodynamic stability) performed at Invitae indicates that this missense variant is not expected to disrupt KCNH1 protein function. In summary, the available evidence is currently insufficient to determine the role of this variant in disease. Therefore, it has been classified as a Variant of Uncertain Significance.

NM_172362.3(KCNH1):c.2335A>C (p.Asn779His)

Gene: KCNH1 (potassium voltage-gated channel subfamily H member 1; minus strand). Cytogenetic location: 1q32.2.
Variant type: single nucleotide variant.
Coding change: c.2335A>C on transcript NM_172362.3 (MANE Select); coding-DNA position 2335, A replaced by C.
Protein change: p.Asn779His; replaces asparagine 779 with histidine.
Molecular consequence: missense variant.
Genome position (GRCh38, 1-based): chr1:210,683,916, T>G on the plus strand (A>C on the coding strand, the complement: KCNH1 is on the minus strand). VCF-style: chr1-210683916-T-G. GRCh37 (hg19) VCF-style: chr1-210857258-T-G.
Other names: c.2254A>C, p.Asn752His (NM_002238.4); short protein forms N752H, N779H.
Identifiers: ClinVar variation 2913274 (VCV002913274.3), dbSNP rs780374534, ClinGen allele CA1379699.
Genomic context (GRCh38, chr1:210,683,916, plus strand): 5'-ATACGGGCGTGGCAGGACTCTCACGCACGGTGACCACGCTGGCCTTCACGAGGCTGTGGT[T>G]GGCGGAGGCATGCTCTGTAAGGACATTGCCCTTCTCCACATCTAGGTCATCCAGGTCCCG-3'
Protein context (NP_758872.1, residues 769-789): GNVLTEHASA[Asn779His]HSLVKASVVT